The following is an entry in ClinVar:

NM_001349253.2(SCN11A):c.995A>G (p.Lys332Arg)

Gene: SCN11A (sodium voltage-gated channel alpha subunit 11; minus strand). Cytogenetic location: 3p22.2.
Variant type: single nucleotide variant.
Coding change: c.995A>G on transcript NM_001349253.2 (MANE Select); coding-DNA position 995, A replaced by G.
Protein change: p.Lys332Arg; replaces lysine 332 with arginine.
Molecular consequence: missense variant.
Genome position (GRCh38, 1-based): chr3:38,910,172, T>C on the plus strand (A>G on the coding strand, the complement: SCN11A is on the minus strand). VCF-style: chr3-38910172-T-C. GRCh37 (hg19) VCF-style: chr3-38951663-T-C.
Other names: c.995A>G, p.Lys332Arg (NM_014139.3); short protein forms K332R.
Identifiers: ClinVar variation 2928706 (VCV002928706.3), dbSNP rs1026635811, ClinGen allele CA72964679.
Genomic context (GRCh38, chr3:38,910,172, plus strand): 5'-ATGGCAAGAAAAGACCAGCCAAAGTTGTCAAAATTCGTATAATTATAGTCAGGATTAATT[T>C]TGGTGTGCTTACATTCATATTGTATGGAACAGGCACTAGATATTGGAAACAAACAGAGAA-3'
Protein context (NP_001336182.1, residues 322-342): CSIQYECKHT[Lys332Arg]INPDYNYTNF

ClinVar aggregate classification (germline): Uncertain significance (1 of 4 stars; one submission).

Conditions:
Familial episodic pain syndrome with predominantly lower limb involvement. Also called: Episodic pain syndrome, familial, 3. Identifiers: Orphanet 391384, Orphanet 391392, MedGen C3809899, MONDO:0014247, OMIM 615552.
Hereditary sensory and autonomic neuropathy type 7. Also called: HSAN VII; Neuropathy, hereditary sensory and autonomic, type VII. Identifiers: Orphanet 391397, MedGen C3809882, MONDO:0014244, OMIM 615548.

Allele frequency attached by ClinVar (database versions not stated): gnomAD 0.00001; gnomAD exomes 0.00001.
gnomAD v4.1: 9 of 1,613,580 alleles (0.00056%); highest among the groups gnomAD compares: African/African-American, 0.004%; no homozygotes.

Submission:

Labcorp Genetics (formerly Invitae), Labcorp
Classification: Uncertain significance for Familial episodic pain syndrome with predominantly lower limb involvement; Hereditary sensory and autonomic neuropathy type 7. Last evaluated: 2023-02-16. Review status: criteria provided, single submitter. Criteria: Invitae Variant Classification Sherloc (09022015). Collection method: clinical testing. Allele origin: germline.
Comment: In summary, the available evidence is currently insufficient to determine the role of this variant in disease. Therefore, it has been classified as a Variant of Uncertain Significance. Advanced modeling of protein sequence and biophysical properties (such as structural, functional, and spatial information, amino acid conservation, physicochemical variation, residue mobility, and thermodynamic stability) performed at Invitae indicates that this missense variant is not expected to disrupt SCN11A protein function. This variant has not been reported in the literature in individuals affected with SCN11A-related conditions. This variant is not present in population databases (gnomAD no frequency). This sequence change replaces lysine, which is basic and polar, with arginine, which is basic and polar, at codon 332 of the SCN11A protein (p.Lys332Arg).